The following is an entry in ClinVar:

ClinVar aggregate classification (germline): Uncertain significance (1 of 4 stars; one submission).

gnomAD v4.1: 7 of 1,613,882 alleles (0.00043%); highest among the groups gnomAD compares: East Asian, 0.016%; no homozygotes.

Submission:

Labcorp Genetics (formerly Invitae), Labcorp
Classification: Uncertain significance. Last evaluated: 2022-02-24. Review status: criteria provided, single submitter. Criteria: Invitae Variant Classification Sherloc (09022015). Collection method: clinical testing. Allele origin: germline.
Comment: This variant has not been reported in the literature in individuals affected with ORC1-related conditions. This variant is present in population databases (rs146333732, gnomAD 0.03%). This sequence change replaces histidine, which is basic and polar, with proline, which is neutral and non-polar, at codon 3 of the ORC1 protein (p.His3Pro). In summary, the available evidence is currently insufficient to determine the role of this variant in disease. Therefore, it has been classified as a Variant of Uncertain Significance. Algorithms developed to predict the effect of missense changes on protein structure and function (SIFT, PolyPhen-2, Align-GVGD) all suggest that this variant is likely to be tolerated.

NM_004153.4(ORC1):c.8A>C (p.His3Pro)

Gene: ORC1 (origin recognition complex subunit 1; minus strand). Cytogenetic location: 1p32.3.
Variant type: single nucleotide variant.
Coding change: c.8A>C on transcript NM_004153.4 (MANE Select); coding-DNA position 8, A replaced by C.
Protein change: p.His3Pro; replaces histidine 3 with proline.
Molecular consequence: missense variant.
Genome position (GRCh38, 1-based): chr1:52,402,216, T>G on the plus strand (A>C on the coding strand, the complement: ORC1 is on the minus strand). VCF-style: chr1-52402216-T-G. GRCh37 (hg19) VCF-style: chr1-52867888-T-G.
Other names: c.8A>C, p.His3Pro (NM_001190818.2, NM_001190819.2); short protein forms H3P.
Identifiers: ClinVar variation 2102960 (VCV002102960.4), dbSNP rs146333732, ClinGen allele CA853702.